The following is an entry in ClinVar:

ClinVar aggregate classification (germline): Uncertain significance (1 of 4 stars; one submission).

Conditions:
Brugada syndrome 5 (BRGDA5). Identifiers: Orphanet 130, Orphanet 871, MedGen C2748541, MONDO:0013015, OMIM 612838.

Allele frequency attached by ClinVar (database versions not stated): gnomAD exomes below 0.00001; gnomAD 0.00001; TOPMed 0.00002; ExAC 0.00003.
gnomAD v4.1: 6 of 1,611,906 alleles (0.00037%); highest among the groups gnomAD compares: East Asian, 0.011%; no homozygotes.

Submission:

Labcorp Genetics (formerly Invitae), Labcorp
Classification: Uncertain significance for Brugada syndrome 5. Last evaluated: 2022-05-04. Review status: criteria provided, single submitter. Criteria: Invitae Variant Classification Sherloc (09022015). Collection method: clinical testing. Allele origin: germline.
Comment: This variant is present in population databases (rs755927212, gnomAD 0.03%). This sequence change replaces alanine, which is neutral and non-polar, with valine, which is neutral and non-polar, at codon 182 of the SCN1B protein (p.Ala182Val). In summary, the available evidence is currently insufficient to determine the role of this variant in disease. Therefore, it has been classified as a Variant of Uncertain Significance. Algorithms developed to predict the effect of missense changes on protein structure and function are either unavailable or do not agree on the potential impact of this missense change (SIFT: "Deleterious"; PolyPhen-2: "Possibly Damaging"; Align-GVGD: "Class C0"). This variant has not been reported in the literature in individuals affected with SCN1B-related conditions.

NM_001037.5(SCN1B):c.448+97C>T

Gene: SCN1B (sodium voltage-gated channel beta subunit 1; plus strand). Cytogenetic location: 19q13.11.
Variant type: single nucleotide variant.
Coding change: c.448+97C>T on transcript NM_001037.5 (MANE Select); 97 bases into the intron after coding-DNA position 448, C replaced by T.
Molecular consequence: intron variant. On other transcripts: missense variant (1).
Genome position (GRCh38, 1-based): chr19:35,033,836, C>T. VCF-style: chr19-35033836-C-T. GRCh37 (hg19) VCF-style: chr19-35524740-C-T.
Other names: c.545C>T, p.Ala182Val (NM_199037.5); c.349+97C>T (NM_001321605.2); short protein forms A182V.
Identifiers: ClinVar variation 2195780 (VCV002195780.4), dbSNP rs755927212, ClinGen allele CA9372031.